The following is an entry in ClinVar:

ClinVar aggregate classification (germline): Likely benign. Review status: criteria provided, multiple submitters, no conflicts (2 of 4 stars). 3 submissions from 3 submitters: Likely benign (2). 1 of the submissions does not count toward it. Last evaluated 2026-01-09.

Conditions:
CDH23-related disorder. Also called: CDH23-related condition; CDH23-related disorders.

Allele frequency attached by ClinVar (database versions not stated): 1000 Genomes Project 30x 0.00031; gnomAD 0.00006 and 0.00007; ExAC 0.00004; TOPMed 0.00008; ESP Exome Variant Server 0.00024; 1000 Genomes Project 0.00020.
gnomAD v4.1: 51 of 1,614,000 alleles (0.0032%); highest among the groups gnomAD compares: Admixed American, 0.01%; no homozygotes.

Submissions (3):

Labcorp Genetics (formerly Invitae), Labcorp
Classification: Likely benign. Last evaluated: 2026-01-09. Review status: criteria provided, single submitter. Criteria: Invitae Variant Classification Sherloc (09022015). Collection method: clinical testing. Allele origin: germline.

Blueprint Genetics
Classification: Likely benign. Last evaluated: 2022-10-11. Review status: criteria provided, single submitter. Criteria: ACMG Guidelines, 2015. Collection method: clinical testing. Allele origin: germline.

PreventionGenetics, part of Exact Sciences
Classification: Likely benign for CDH23-related condition. Last evaluated: 2019-08-07. Review status: no assertion criteria provided. Collection method: clinical testing. Allele origin: germline. Not counted in ClinVar's aggregate classification.
Comment: This variant is classified as likely benign based on ACMG/AMP sequence variant interpretation guidelines (Richards et al. 2015 PMID: 25741868, with internal and published modifications).

NM_022124.6(CDH23):c.3894C>T (p.Ser1298=)

Genes: C10orf105 (chromosome 10 open reading frame 105; minus strand), CDH23 (cadherin related 23; plus strand). Cytogenetic location: 10q22.1.
Variant type: single nucleotide variant.
Coding change: c.3894C>T on transcript NM_022124.6 (MANE Select); coding-DNA position 3894, C replaced by T.
Protein change: p.Ser1298=; no amino-acid change (serine 1298 retained).
Molecular consequence: synonymous variant. On other transcripts: intron variant (1).
Genome position (GRCh38, 1-based): chr10:71,732,165, C>T. VCF-style: chr10-71732165-C-T. GRCh37 (hg19) VCF-style: chr10-73491922-C-T.
Other names: c.3894C>T, p.Ser1298= (NM_001171930.2); c.-6+5563G>A (NM_001168390.2).
Identifiers: ClinVar variation 1135019 (VCV001135019.12), dbSNP rs370094327, ClinGen allele CA5544862.